The following is an entry in ClinVar:

ClinVar aggregate classification (germline): Uncertain significance (0 of 4 stars; one submission).

Conditions:
KMT2D-related disorder. Also called: KMT2D-Related Disorders.

Submission:

PreventionGenetics, part of Exact Sciences
Classification: Uncertain significance for KMT2D-related condition. Last evaluated: 2024-05-15. Review status: no assertion criteria provided. Collection method: clinical testing. Allele origin: germline.
Comment: The KMT2D c.13420C>T variant is predicted to result in the amino acid substitution p.Leu4474Phe. To our knowledge, this variant has not been reported in the literature. This variant is reported in 0.00088% of alleles in individuals of European (Non-Finnish) descent in gnomAD. At this time, the clinical significance of this variant is uncertain due to the absence of conclusive functional and genetic evidence.

NM_003482.4(KMT2D):c.13420C>T (p.Leu4474Phe)

Gene: KMT2D (lysine methyltransferase 2D; minus strand). Cytogenetic location: 12q13.12.
Variant type: single nucleotide variant.
Coding change: c.13420C>T on transcript NM_003482.4 (MANE Select); coding-DNA position 13420, C replaced by T.
Protein change: p.Leu4474Phe; replaces leucine 4474 with phenylalanine.
Molecular consequence: missense variant.
Genome position (GRCh38, 1-based): chr12:49,031,285, G>A on the plus strand (C>T on the coding strand, the complement: KMT2D is on the minus strand). VCF-style: chr12-49031285-G-A. GRCh37 (hg19) VCF-style: chr12-49425068-G-A.
Other names: short protein forms L4474F.
Identifiers: ClinVar variation 3358628 (VCV003358628.1).